The following is an entry in ClinVar:

NM_002067.5(GNA11):c.149G>A (p.Ser50Asn)

Gene: GNA11 (G protein subunit alpha 11; plus strand). Cytogenetic location: 19p13.3.
Variant type: single nucleotide variant.
Coding change: c.149G>A on transcript NM_002067.5 (MANE Select); coding-DNA position 149, G replaced by A.
Protein change: p.Ser50Asn; replaces serine 50 with asparagine.
Molecular consequence: missense variant.
Genome position (GRCh38, 1-based): chr19:3,110,161, G>A. VCF-style: chr19-3110161-G-A. GRCh37 (hg19) VCF-style: chr19-3110159-G-A.
Other names: short protein forms S50N.
Identifiers: ClinVar variation 937133 (VCV000937133.9), dbSNP rs1913736061, ClinGen allele CA403305371.

ClinVar aggregate classification (germline): Uncertain significance (1 of 4 stars; one submission).

Submission:

Labcorp Genetics (formerly Invitae), Labcorp
Classification: Uncertain significance. Last evaluated: 2019-08-13. Review status: criteria provided, single submitter. Criteria: Invitae Variant Classification Sherloc (09022015). Collection method: clinical testing. Allele origin: germline.
Comment: This variant is not present in population databases (ExAC no frequency). This variant has not been reported in the literature in individuals with GNA11-related conditions. Algorithms developed to predict the effect of missense changes on protein structure and function are either unavailable or do not agree on the potential impact of this missense change (SIFT: "Deleterious"; PolyPhen-2: "Probably Damaging"; Align-GVGD: "Class C0"). In summary, the available evidence is currently insufficient to determine the role of this variant in disease. Therefore, it has been classified as a Variant of Uncertain Significance. This sequence change replaces serine with asparagine at codon 50 of the GNA11 protein (p.Ser50Asn). The serine residue is highly conserved and there is a small physicochemical difference between serine and asparagine.